The following is an entry in ClinVar:

NM_001613.4(ACTA2):c.218T>C (p.Ile73Thr)

Gene: ACTA2 (actin alpha 2, smooth muscle; minus strand). Cytogenetic location: 10q23.31.
Variant type: single nucleotide variant.
Coding change: c.218T>C on transcript NM_001613.4 (MANE Select); coding-DNA position 218, T replaced by C.
Protein change: p.Ile73Thr; replaces isoleucine 73 with threonine.
Molecular consequence: missense variant. On other transcripts: intron variant (3).
Genome position (GRCh38, 1-based): chr10:88,947,298, A>G on the plus strand (T>C on the coding strand, the complement: ACTA2 is on the minus strand). VCF-style: chr10-88947298-A-G. GRCh37 (hg19) VCF-style: chr10-90707055-A-G.
Other names: c.218T>C, p.Ile73Thr (NM_001141945.3, NM_001320855.2, NM_001406462.1 and 4 more transcripts); c.129+1504T>C (NM_001406467.1, NM_001406468.1, NM_001406469.1); short protein forms I73T.
Identifiers: ClinVar variation 2575105 (VCV002575105.4), dbSNP rs2494570485, ClinGen allele CA377513368.

ClinVar aggregate classification (germline): Conflicting classifications of pathogenicity. Review status: criteria provided, conflicting classifications (1 of 4 stars). 3 submissions from 3 submitters: Pathogenic (1); Uncertain significance (2). Last evaluated 2026-04-29.

Conditions:
Aortic aneurysm, familial thoracic 6 (AAT6). Also called: FAMILIAL THORACIC AORTIC ANEURYSM WITH LIVEDO RETICULARIS AND IRIS FLOCCULI. Identifiers: MedGen C2673186, MONDO:0012730, OMIM 611788.
Familial thoracic aortic aneurysm and aortic dissection (TAAD). Also called: Thoracic aortic aneurysms and dissections. Identifiers: Orphanet 91387, MedGen C4707243, MONDO:0019625.

Allele frequency attached by ClinVar (database versions not stated): gnomAD exomes below 0.00001.
gnomAD v4.1: 2 of 1,613,960 alleles (0.00012%); highest among the groups gnomAD compares: African/African-American, 0.0013%; no homozygotes.

Submissions (3):

Ambry Genetics
Classification: Uncertain significance for Familial thoracic aortic aneurysm and aortic dissection. Last evaluated: 2026-04-29. Review status: criteria provided, single submitter. Criteria: Ambry Variant Classification Scheme 2023. Collection method: clinical testing. Allele origin: germline.
Comment: The p.I73T variant (also known as c.218T>C), located in coding exon 2 of the ACTA2 gene, results from a T to C substitution at nucleotide position 218. The isoleucine at codon 73 is replaced by threonine, an amino acid with similar properties. This variant was reported in individual(s) with features consistent with ACTA2-related thoracic aortic aneurysm and dissection (TAAD) (Calderan C et al. Eur J Hum Genet, 2024 Jul;32:804-812). In an assay testing ACTA2 function, this variant showed a functionally abnormal result (Calderan C et al. Eur J Hum Genet, 2024 Jul;32:804-812). This amino acid position is highly conserved in available vertebrate species. In addition, this alteration is predicted to be deleterious by in silico analysis. Based on the available evidence, the clinical significance of this variant remains unclear.

Color Diagnostics, LLC DBA Color Health
Classification: Uncertain significance for Familial thoracic aortic aneurysm and aortic dissection. Last evaluated: 2025-09-03. Review status: criteria provided, single submitter. Criteria: ACMG Guidelines, 2015. Collection method: clinical testing. Allele origin: germline.
Comment: This missense variant replaces isoleucine with threonine at codon 73 of the ACTA2 protein. Computational prediction suggests that this variant may have deleterious impact on protein structure and function. To our knowledge, functional studies have not been reported for this variant. This variant has not been reported in individuals affected with ACTA2-related disorders in the literature. This variant has not been identified in the general population by the Genome Aggregation Database (gnomAD). The available evidence is insufficient to determine the role of this variant in disease conclusively. Therefore, this variant is classified as a Variant of Uncertain Significance.

Clinical Genetics Unit, University of Padua
Classification: Pathogenic for Aortic aneurysm, familial thoracic 6. Last evaluated: 2024-03-15. Review status: criteria provided, single submitter. Criteria: ACMG Guidelines, 2015. Collection method: clinical testing, in vivo. Allele origin: unknown, not applicable. Affected: yes. Observed: 3 variant alleles. Clinical features observed: Thoracic aortic aneurysm (HP:0012727). Functional consequence: dominant negative variant.
Comment: ACTA2 is part of ACMG SF v3.3 genes recommended for return as secondary findings from clinical exome and genome sequencing (PMID: 40568962). Our study in yeast (PMID: 38486025) provides functional evidences for pathogenicity of the NM_001613.2:c.218T > C p.(Ile73Thr) variant.

Literature cited by the submitters: PubMed 38486025 (cited by Ambry Genetics); PubMed 40568962 (cited by Clinical Genetics Unit, University of Padua); PubMed 17994018 (cited by Clinical Genetics Unit, University of Padua).